The following is an entry in ClinVar:

NM_017780.4(CHD7):c.6551A>T (p.Lys2184Met)

Gene: CHD7 (chromodomain helicase DNA binding protein 7; plus strand). Cytogenetic location: 8q12.2.
Variant type: single nucleotide variant.
Coding change: c.6551A>T on transcript NM_017780.4 (MANE Select); coding-DNA position 6551, A replaced by T.
Protein change: p.Lys2184Met; replaces lysine 2184 with methionine.
Molecular consequence: missense variant. On other transcripts: intron variant (1).
Genome position (GRCh38, 1-based): chr8:60,853,276, A>T. VCF-style: chr8-60853276-A-T. GRCh37 (hg19) VCF-style: chr8-61765835-A-T.
Other names: c.1717-8953A>T (NM_001316690.1); short protein forms K2184M.
Identifiers: ClinVar variation 931206 (VCV000931206.3), dbSNP rs749435288, ClinGen allele CA177354151.
Genomic context (GRCh38, chr8:60,853,276, plus strand): 5'-ATGAGAGGGTACTGGAACAAGCCGAAGGCAAAGTGGAGGAGCCTGAAAACCCAGCTGCCA[A>T]GGAGAAATGTGAGGGCAAAGAAGAGGAAGAAGAAACCGATGGCAGCGGGAAGGAGAGCAA-3'
Protein context (NP_060250.2, residues 2174-2194): KVEEPENPAA[Lys2184Met]EKCEGKEEEE

ClinVar aggregate classification (germline): Uncertain significance (1 of 4 stars; one submission).

Conditions:
CHARGE syndrome (CHARGE). Also called: Hittner Hirsch Kreh syndrome; Coloboma, heart anomaly, choanal atresia, retardation, genital and ear anomalies; CHARGE association; Hall-Hittner syndrome; CHARGE ASSOCIATION--COLOBOMA, HEART ANOMALY, CHOANAL ATRESIA, RETARDATION, GENITAL AND EAR ANOMALIES. Identifiers: Orphanet 138, MedGen C0265354, MONDO:0008965.

Allele frequency attached by ClinVar (database versions not stated): gnomAD exomes below 0.00001.
gnomAD v4.1: 2 of 1,612,034 alleles (0.00012%); highest among the groups gnomAD compares: Non-Finnish European, 0.00017%; no homozygotes.

Submission:

Centre for Mendelian Genomics, University Medical Centre Ljubljana
Classification: Uncertain significance for CHD7-related CHARGE syndrome. Last evaluated: 2019-10-29. Review status: criteria provided, single submitter. Criteria: ACMG Guidelines, 2015. Collection method: clinical testing. Allele origin: unknown. Affected: yes.
Comment: This variant was classified as: Uncertain significance. The available evidence on this variant's pathogenicity is insufficient or conflicting. The following ACMG criteria were applied in classifying this variant: PM2,BP4.